The following is an entry in ClinVar:

ClinVar aggregate classification (germline): Uncertain significance (1 of 4 stars; one submission).

Conditions:
Hereditary cancer-predisposing syndrome. Also called: Hereditary Cancer Syndrome; Neoplastic Syndromes, Hereditary; Tumor predisposition; Hereditary neoplastic syndrome. Identifiers: Orphanet 140162, MedGen C0027672, MeSH D009386, MONDO:0015356.

gnomAD v4.1: 1 of 1,614,198 alleles (0.000062%); highest among the groups gnomAD compares: Non-Finnish European, 0.000085%; no homozygotes.

Submission:

Ambry Genetics
Classification: Uncertain significance for Hereditary cancer-predisposing syndrome. Last evaluated: 2026-07-07. Review status: criteria provided, single submitter. Criteria: Ambry Variant Classification Scheme 2023. Collection method: clinical testing. Allele origin: germline.
Comment: The p.E205D variant (also known as c.615G>T), located in coding exon 5 of the EGFR gene, results from a G to T substitution at nucleotide position 615. The glutamic acid at codon 205 is replaced by aspartic acid, an amino acid with highly similar properties. This amino acid position is conserved. In addition, this alteration is predicted to be tolerated by in silico analysis. Based on the available evidence, the clinical significance of this variant remains unclear.

NM_005228.5(EGFR):c.615G>T (p.Glu205Asp)

Gene: EGFR (epidermal growth factor receptor; plus strand). Cytogenetic location: 7p11.2.
Variant type: single nucleotide variant.
Coding change: c.615G>T on transcript NM_005228.5 (MANE Select); coding-DNA position 615, G replaced by T.
Protein change: p.Glu205Asp; replaces glutamic acid 205 with aspartic acid.
Molecular consequence: missense variant. On other transcripts: intron variant (1).
Genome position (GRCh38, 1-based): chr7:55,151,349, G>T. VCF-style: chr7-55151349-G-T. GRCh37 (hg19) VCF-style: chr7-55219042-G-T.
Other names: c.480G>T, p.Glu160Asp (NM_001346897.2, NM_001346899.2); c.615G>T, p.Glu205Asp (NM_001346898.2, NM_201282.2, NM_201283.2 and 1 more transcripts); c.456G>T, p.Glu152Asp (NM_001346900.2); c.89-4481G>T (NM_001346941.2); short protein forms E160D, E205D, E152D.
Identifiers: ClinVar variation 5035772 (VCV005035772.1).
Genomic context (GRCh38, chr7:55,151,349, plus strand): 5'-TTCAGGCCAAAAGTGTGATCCAAGCTGTCCCAATGGGAGCTGCTGGGGTGCAGGAGAGGA[G>T]AACTGCCAGAAACGTAAGTCAGTGAACAGCCTCAGACCCATGTGTGACCGCCCCTCTCTT-3'
Protein context (NP_005219.2, residues 195-215): PNGSCWGAGE[Glu205Asp]NCQKLTKIIC